The following is an entry in ClinVar:

ClinVar aggregate classification (germline): Uncertain significance. Review status: criteria provided, multiple submitters, no conflicts (2 of 4 stars). 2 submissions from 2 submitters: Uncertain significance (2). Last evaluated 2025-09-12.

Conditions:
Familial adenomatous polyposis 1 (FAP1). Also called: FAMILIAL ADENOMATOUS POLYPOSIS 1, ATTENUATED; POLYPOSIS, ADENOMATOUS INTESTINAL. Identifiers: MedGen C2713442, MONDO:0021056, OMIM 175100. Disease mechanism: loss of function.
Hereditary cancer-predisposing syndrome. Also called: Tumor predisposition; Hereditary neoplastic syndrome; Hereditary Cancer Syndrome; Neoplastic Syndromes, Hereditary. Identifiers: Orphanet 140162, MedGen C0027672, MeSH D009386, MONDO:0015356.

Submissions (2):

Ambry Genetics
Classification: Uncertain significance for Hereditary cancer-predisposing syndrome. Last evaluated: 2025-09-12. Review status: criteria provided, single submitter. Criteria: Ambry Variant Classification Scheme 2023. Collection method: clinical testing. Allele origin: germline.
Comment: The p.F2099L variant (also known as c.6295T>C), located in coding exon 15 of the APC gene, results from a T to C substitution at nucleotide position 6295. The phenylalanine at codon 2099 is replaced by leucine, an amino acid with highly similar properties. This amino acid position is conserved. In addition, in silico predictors for this gene do not accurately predict pathogenicity. Based on the available evidence, the clinical significance of this variant remains unclear.

Labcorp Genetics (formerly Invitae), Labcorp
Classification: Uncertain significance for Familial adenomatous polyposis 1. Last evaluated: 2023-05-13. Review status: criteria provided, single submitter. Criteria: Invitae Variant Classification Sherloc (09022015). Collection method: clinical testing. Allele origin: germline.
Comment: In summary, the available evidence is currently insufficient to determine the role of this variant in disease. Therefore, it has been classified as a Variant of Uncertain Significance. Advanced modeling of protein sequence and biophysical properties (such as structural, functional, and spatial information, amino acid conservation, physicochemical variation, residue mobility, and thermodynamic stability) performed at Invitae indicates that this missense variant is not expected to disrupt APC protein function. This variant has not been reported in the literature in individuals affected with APC-related conditions. This variant is not present in population databases (gnomAD no frequency). This sequence change replaces phenylalanine, which is neutral and non-polar, with leucine, which is neutral and non-polar, at codon 2099 of the APC protein (p.Phe2099Leu).

NM_000038.6(APC):c.6295T>C (p.Phe2099Leu)

Gene: APC (APC regulator of Wnt signaling pathway; plus strand). Cytogenetic location: 5q22.2.
Variant type: single nucleotide variant.
Coding change: c.6295T>C on transcript NM_000038.6 (MANE Select); coding-DNA position 6295, T replaced by C.
Protein change: p.Phe2099Leu; replaces phenylalanine 2099 with leucine.
Molecular consequence: missense variant. On other transcripts: non-coding transcript variant (2).
Genome position (GRCh38, 1-based): chr5:112,841,889, T>C. VCF-style: chr5-112841889-T-C. GRCh37 (hg19) VCF-style: chr5-112177586-T-C.
Other names: c.6295T>C (NM_000038.5); c.6295T>C, p.Phe2099Leu (NM_001127510.3, NM_001354895.2, NM_001407450.1); c.6241T>C, p.Phe2081Leu (NM_001127511.3); c.6349T>C, p.Phe2117Leu (NM_001354896.2, NM_001407447.1, NM_001407448.1 and 1 more transcripts); c.6325T>C, p.Phe2109Leu (NM_001354897.2); c.6220T>C, p.Phe2074Leu (NM_001354898.2); c.6211T>C, p.Phe2071Leu (NM_001354899.2); c.6172T>C, p.Phe2058Leu (NM_001354900.2); and 12 more; short protein forms F1970L, F2008L, F2071L, F2074L, F2099L, F1939L, F2089L, F1715L.
Identifiers: ClinVar variation 2957640 (VCV002957640.4), dbSNP rs2149961680, ClinGen allele CA16035114.
Genomic context (GRCh38, chr5:112,841,889, plus strand): 5'-GATTTGAAAGATATACAGAGACCAGATTCAGAACATGGTCTATCCCCTGATTCAGAAAAT[T>C]TTGATTGGAAAGCTATTCAGGAAGGTGCAAATTCCATAGTAAGTAGTTTACATCAAGCTG-3'
Protein context (NP_000029.2, residues 2089-2109): EHGLSPDSEN[Phe2099Leu]DWKAIQEGAN